The following is an entry in ClinVar:

NM_004525.3(LRP2):c.12597G>A (p.Met4199Ile)

Gene: LRP2 (LDL receptor related protein 2; minus strand). Cytogenetic location: 2q31.1.
Variant type: single nucleotide variant.
Coding change: c.12597G>A on transcript NM_004525.3 (MANE Select); coding-DNA position 12597, G replaced by A.
Protein change: p.Met4199Ile; replaces methionine 4199 with isoleucine.
Molecular consequence: missense variant.
Genome position (GRCh38, 1-based): chr2:169,146,953, C>T on the plus strand (G>A on the coding strand, the complement: LRP2 is on the minus strand). VCF-style: chr2-169146953-C-T. GRCh37 (hg19) VCF-style: chr2-170003463-C-T.
Other names: short protein forms M4199I.
Identifiers: ClinVar variation 1359523 (VCV001359523.5), dbSNP rs763314996, ClinGen allele CA1952763.

ClinVar aggregate classification (germline): Uncertain significance (1 of 4 stars; one submission).

Allele frequency attached by ClinVar (database versions not stated): TOPMed below 0.00001; gnomAD 0.00001; ExAC 0.00002; gnomAD exomes 0.00001.
gnomAD v4.1: 4 of 1,609,918 alleles (0.00025%); highest among the groups gnomAD compares: Admixed American, 0.0067%; no homozygotes.

Submission:

Labcorp Genetics (formerly Invitae), Labcorp
Classification: Uncertain significance. Last evaluated: 2021-08-14. Review status: criteria provided, single submitter. Criteria: Invitae Variant Classification Sherloc (09022015). Collection method: clinical testing. Allele origin: germline.
Comment: This sequence change replaces methionine with isoleucine at codon 4199 of the LRP2 protein (p.Met4199Ile). The methionine residue is highly conserved and there is a small physicochemical difference between methionine and isoleucine. This variant is present in population databases (rs763314996, ExAC 0.03%). This variant has not been reported in the literature in individuals affected with LRP2-related conditions. Advanced modeling of protein sequence and biophysical properties (such as structural, functional, and spatial information, amino acid conservation, physicochemical variation, residue mobility, and thermodynamic stability) performed at Invitae indicates that this missense variant is not expected to disrupt LRP2 protein function. In summary, the available evidence is currently insufficient to determine the role of this variant in disease. Therefore, it has been classified as a Variant of Uncertain Significance.